The following is an entry in ClinVar:

NM_003403.5(YY1):c.471C>T (p.Gly157=)

Gene: YY1 (YY1 transcription factor; plus strand). Cytogenetic location: 14q32.2.
Variant type: single nucleotide variant.
Coding change: c.471C>T on transcript NM_003403.5 (MANE Select); coding-DNA position 471, C replaced by T.
Protein change: p.Gly157=; no amino-acid change (glycine 157 retained).
Molecular consequence: synonymous variant.
Genome position (GRCh38, 1-based): chr14:100,239,715, C>T. VCF-style: chr14-100239715-C-T. GRCh37 (hg19) VCF-style: chr14-100706052-C-T.
Identifiers: ClinVar variation 4682050 (VCV004682050.5).

ClinVar aggregate classification (germline): Likely benign (1 of 4 stars; one submission).

Submission:

CeGaT Center for Human Genetics Tuebingen
Classification: Likely benign. Last evaluated: 2025-12-01. Review status: criteria provided, single submitter. Criteria: CeGaT Center For Human Genetics Tuebingen Variant Classification Criteria Version 2. Collection method: clinical testing. Allele origin: germline. Affected: yes. Observed: 1 variant allele.
Comment: YY1: BP4, BP7